The following is an entry in ClinVar:

ClinVar aggregate classification (germline): Uncertain significance. Review status: criteria provided, multiple submitters, no conflicts (2 of 4 stars). 2 submissions from 2 submitters: Uncertain significance (2). Last evaluated 2026-02-16.

Submissions (2):

Ambry Genetics
Classification: Uncertain significance. Last evaluated: 2026-02-16. Review status: criteria provided, single submitter. Criteria: Ambry Variant Classification Scheme 2023. Collection method: clinical testing. Allele origin: germline.
Comment: The p.Q674R variant (also known as c.2021A>G), located in coding exon 1 of the TET2 gene, results from an A to G substitution at nucleotide position 2021. The glutamine at codon 674 is replaced by arginine, an amino acid with highly similar properties. This amino acid position is conserved. In addition, this alteration is predicted to be tolerated by in silico analysis. Based on the available evidence, the clinical significance of this variant remains unclear.

Labcorp Genetics (formerly Invitae), Labcorp
Classification: Uncertain significance. Last evaluated: 2024-03-27. Review status: criteria provided, single submitter. Criteria: Invitae Variant Classification Sherloc (09022015). Collection method: clinical testing. Allele origin: germline.
Comment: This sequence change replaces glutamine, which is neutral and polar, with arginine, which is basic and polar, at codon 674 of the TET2 protein (p.Gln674Arg). This variant is not present in population databases (gnomAD no frequency). This variant has not been reported in the literature in individuals affected with TET2-related conditions. An algorithm developed to predict the effect of missense changes on protein structure and function (PolyPhen-2) suggests that this variant is likely to be disruptive. In summary, the available evidence is currently insufficient to determine the role of this variant in disease. Therefore, it has been classified as a Variant of Uncertain Significance.

NM_001127208.3(TET2):c.2021A>G (p.Gln674Arg)

Genes: TET2 (tet methylcytosine dioxygenase 2; plus strand), TET2-AS1 (TET2 antisense RNA 1; minus strand). Cytogenetic location: 4q24.
Variant type: single nucleotide variant.
Coding change: c.2021A>G on transcript NM_001127208.3 (MANE Select); coding-DNA position 2021, A replaced by G.
Protein change: p.Gln674Arg; replaces glutamine 674 with arginine.
Molecular consequence: missense variant.
Genome position (GRCh38, 1-based): chr4:105,235,963, A>G. VCF-style: chr4-105235963-A-G. GRCh37 (hg19) VCF-style: chr4-106157120-A-G.
Other names: c.2021A>G, p.Gln674Arg (NM_017628.4); short protein forms Q674R.
Identifiers: ClinVar variation 3682115 (VCV003682115.3).